The following is an entry in ClinVar:

ClinVar aggregate classification (germline): Uncertain significance (1 of 4 stars; one submission).

Allele frequency attached by ClinVar (database versions not stated): gnomAD 0.00001; gnomAD exomes 0.00001; ExAC 0.00002; TOPMed 0.00002.
gnomAD v4.1: 18 of 1,614,098 alleles (0.0011%); highest among the groups gnomAD compares: Admixed American, 0.0017%; no homozygotes.

Submission:

Labcorp Genetics (formerly Invitae), Labcorp
Classification: Uncertain significance. Last evaluated: 2024-11-05. Review status: criteria provided, single submitter. Criteria: Invitae Variant Classification Sherloc (09022015). Collection method: clinical testing. Allele origin: germline.
Comment: This sequence change creates a premature translational stop signal (p.Arg1736*) in the KIDINS220 gene. While this is not anticipated to result in nonsense mediated decay, it is expected to disrupt the last 36 amino acid(s) of the KIDINS220 protein. This variant is present in population databases (rs755413482, gnomAD 0.003%). This variant has not been reported in the literature in individuals affected with KIDINS220-related conditions. ClinVar contains an entry for this variant (Variation ID: 2907784). Experimental studies and prediction algorithms are not available or were not evaluated, and the functional significance of this variant is currently unknown. In summary, the available evidence is currently insufficient to determine the role of this variant in disease. Therefore, it has been classified as a Variant of Uncertain Significance.

NM_020738.4(KIDINS220):c.5206C>T (p.Arg1736Ter)

Gene: KIDINS220 (kinase D interacting substrate 220; minus strand). Cytogenetic location: 2p25.1.
Variant type: single nucleotide variant.
Coding change: c.5206C>T on transcript NM_020738.4 (MANE Select); coding-DNA position 5206, C replaced by T.
Protein change: p.Arg1736Ter; replaces arginine 1736 with a stop codon.
Molecular consequence: nonsense. On other transcripts: intron variant (6).
Genome position (GRCh38, 1-based): chr2:8,730,830, G>A on the plus strand (C>T on the coding strand, the complement: KIDINS220 is on the minus strand). VCF-style: chr2-8730830-G-A. GRCh37 (hg19) VCF-style: chr2-8870960-G-A.
Other names: c.3996+2614C>T (NM_001348738.2); c.3885+2614C>T (NM_001348739.2, NM_001348740.2); c.3882+2614C>T (NM_001348742.2, NM_001348743.2, NM_001348741.2); c.5209C>T, p.Arg1737Ter (NM_001348729.2); c.5152C>T, p.Arg1718Ter (NM_001348731.2); c.5149C>T, p.Arg1717Ter (NM_001348732.2); c.5038C>T, p.Arg1680Ter (NM_001348734.2); c.5035C>T, p.Arg1679Ter (NM_001348735.2); and 1 more; short protein forms R1637*, R1736*, R1718*, R1737*, R1717*, R1679*, R1680*.
Identifiers: ClinVar variation 2907784 (VCV002907784.3), dbSNP rs755413482, ClinGen allele CA1519236.